The following is an entry in ClinVar:

NM_001042492.3(NF1):c.*541G>A

Gene: NF1 (neurofibromin 1; plus strand). Cytogenetic location: 17q11.2.
Variant type: single nucleotide variant.
Coding change: c.*541G>A on transcript NM_001042492.3 (MANE Select); 541 bases downstream of the stop codon, G replaced by A.
Molecular consequence: 3 prime UTR variant.
Genome position (GRCh38, 1-based): chr17:31,374,696, G>A. VCF-style: chr17-31374696-G-A. GRCh37 (hg19) VCF-style: chr17-29701714-G-A.
Other names: c.*541G>A (NM_000267.4).
Identifiers: ClinVar variation 889821 (VCV000889821.4), dbSNP rs563100361, ClinGen allele CA289712559.
Genomic context (GRCh38, chr17:31,374,696, plus strand): 5'-ATCTTTTAGCTGTGGACTTTTTTTTTAACCGTACAAAACTGAAAGAACCATAGAGGTCAA[G>A]CCTCAGTGACTTGACACCATAAAGCCACAGACAAGGTACTTGGGGGGGAGGGCAGGGAAA-3'

ClinVar aggregate classification (germline): Benign/Likely benign. Review status: criteria provided, single submitter (1 of 4 stars). 4 submissions from 1 submitter: Benign (1); Likely benign (3). Last evaluated 2018-01-12.

Conditions:
Café-au-lait macules with pulmonary stenosis (WTSN). Also called: PULMONIC STENOSIS WITH CAFE-AU-LAIT SPOTS. Identifiers: MedGen C0553586, MONDO:0008672, OMIM 193520.
Neurofibromatosis, familial spinal (FSNF). Identifiers: Orphanet 636, MedGen C1834235, MONDO:0008078, OMIM 162210. Disease mechanism: loss of function.
Neurofibromatosis, type 1 (NF1). Also called: VON RECKLINGHAUSEN DISEASE; NEUROFIBROMATOSIS, TYPE I, SOMATIC; Peripheral type neurofibromatosis; Neurofibromatosis, type I. Identifiers: Orphanet 636, MedGen C0027831, MONDO:0018975, OMIM 162200. Disease mechanism: loss of function.
Neurofibromatosis-Noonan syndrome (NFNS). Also called: NEUROFIBROMATOSIS WITH NOONAN PHENOTYPE. Identifiers: Orphanet 638, MedGen C2931482, MONDO:0011035, OMIM 601321. Disease mechanism: loss of function.

Allele frequency attached by ClinVar (database versions not stated): gnomAD 0.00008 and 0.00021; TOPMed 0.00008; gnomAD exomes 0.00027; 1000 Genomes Project 0.00120; 1000 Genomes Project 30x 0.00203.
gnomAD v4.1: 59 of 237,384 alleles (0.025%); highest among the groups gnomAD compares: South Asian, 0.53%; no homozygotes.

Submissions (4):

Illumina Laboratory Services, Illumina
Classification: Likely benign for Café-au-lait macules with pulmonary stenosis. Last evaluated: 2018-01-12. Review status: criteria provided, single submitter. Criteria: ICSL Variant Classification Criteria 13 December 2019. Collection method: clinical testing. Allele origin: germline.
Comment: This variant was observed in the ICSL laboratory as part of a predisposition screen in an ostensibly healthy population. It had not been previously curated by ICSL or reported in the Human Gene Mutation Database (HGMD: prior to June 1st, 2018), and was therefore a candidate for classification through an automated scoring system. Utilizing variant allele frequency, disease prevalence and penetrance estimates, and inheritance mode, an automated score was calculated to assess if this variant is too frequent to cause the disease. Based on the score and internal cut-off values, a variant classified as likely benign is not then subjected to further curation. The score for this variant resulted in a classification of likely benign for this disease.

Illumina Laboratory Services, Illumina
Classification: Benign for Neurofibromatosis-Noonan syndrome. Last evaluated: 2018-01-12. Review status: criteria provided, single submitter. Criteria: ICSL Variant Classification Criteria 13 December 2019. Collection method: clinical testing. Allele origin: germline.
Comment: This variant was observed in the ICSL laboratory as part of a predisposition screen in an ostensibly healthy population. It had not been previously curated by ICSL or reported in the Human Gene Mutation Database (HGMD: prior to June 1st, 2018), and was therefore a candidate for classification through an automated scoring system. Utilizing variant allele frequency, disease prevalence and penetrance estimates, and inheritance mode, an automated score was calculated to assess if this variant is too frequent to cause the disease. Based on the score and internal cut-off values, a variant classified as benign is not then subjected to further curation. The score for this variant resulted in a classification of benign for this disease.

Illumina Laboratory Services, Illumina
Classification: Likely benign for Neurofibromatosis, type 1. Last evaluated: 2018-01-12. Review status: criteria provided, single submitter. Criteria: ICSL Variant Classification Criteria 13 December 2019. Collection method: clinical testing. Allele origin: germline.
Comment: the same text as in the submission from Illumina Laboratory Services, Illumina above.

Illumina Laboratory Services, Illumina
Classification: Likely benign for Neurofibromatosis, familial spinal. Last evaluated: 2018-01-12. Review status: criteria provided, single submitter. Criteria: ICSL Variant Classification Criteria 13 December 2019. Collection method: clinical testing. Allele origin: germline.
Comment: the same text as in the submission from Illumina Laboratory Services, Illumina above.